The following is an entry in ClinVar:

NM_000127.3(EXT1):c.277T>A (p.Tyr93Asn)

Gene: EXT1 (exostosin glycosyltransferase 1; minus strand). Cytogenetic location: 8q24.11.
Variant type: single nucleotide variant.
Coding change: c.277T>A on transcript NM_000127.3 (MANE Select); coding-DNA position 277, T replaced by A.
Protein change: p.Tyr93Asn; replaces tyrosine 93 with asparagine.
Molecular consequence: missense variant.
Genome position (GRCh38, 1-based): chr8:118,110,770, A>T on the plus strand (T>A on the coding strand, the complement: EXT1 is on the minus strand). VCF-style: chr8-118110770-A-T. GRCh37 (hg19) VCF-style: chr8-119123009-A-T.
Other names: short protein forms Y93N.
Identifiers: ClinVar variation 1475649 (VCV001475649.8), dbSNP rs1402667727, ClinGen allele CA371916222.

ClinVar aggregate classification (germline): Uncertain significance. Review status: criteria provided, multiple submitters, no conflicts (2 of 4 stars). 2 submissions from 2 submitters: Uncertain significance (2). Last evaluated 2025-09-30.

Conditions:
Multiple congenital exostosis (EXT). Also called: MULTIPLE CARTILAGINOUS EXOSTOSES; Multiple osteochondromas; Hereditary multiple osteochondromas; Hereditary multiple exostoses; Hereditary multiple exostosis; Multiple exostoses. Identifiers: Orphanet 321, MedGen C0015306, MONDO:0005508, HP:0002762.

Submissions (2):

Labcorp Genetics (formerly Invitae), Labcorp
Classification: Uncertain significance for Multiple congenital exostosis. Last evaluated: 2025-09-30. Review status: criteria provided, single submitter. Criteria: Invitae Variant Classification Sherloc (09022015). Collection method: clinical testing. Allele origin: germline.
Comment: This sequence change replaces tyrosine, which is neutral and polar, with asparagine, which is neutral and polar, at codon 93 of the EXT1 protein (p.Tyr93Asn). This variant is not present in population databases (gnomAD no frequency). This variant has not been reported in the literature in individuals affected with EXT1-related conditions. ClinVar contains an entry for this variant (Variation ID: 1475649). Invitae Evidence Modeling of protein sequence and biophysical properties (such as structural, functional, and spatial information, amino acid conservation, physicochemical variation, residue mobility, and thermodynamic stability) has been performed for this missense variant. However, the output from this modeling did not meet the statistical confidence thresholds required to predict the impact of this variant on EXT1 protein function. In summary, the available evidence is currently insufficient to determine the role of this variant in disease. Therefore, it has been classified as a Variant of Uncertain Significance.

Dasa
Classification: Uncertain significance. Last evaluated: 2024-12-14. Review status: criteria provided, single submitter. Criteria: DASA Assertion Criteria. Collection method: clinical testing. Allele origin: germline.
Comment: NM_000127.3(EXT1):c.277T>A (p.Tyr93Asn) is a missense variant that results in the substitution of tyrosine with asparagine. This variant is absent from population databases. The currently available literature and clinical evidence are not sufficient to establish a definitive association between this variant and the reported condition. Therefore, this variant is classified as a variant of uncertain significance.